The following is an entry in ClinVar:

NM_018136.5(ASPM):c.6716T>C (p.Leu2239Pro)

Gene: ASPM (assembly factor for spindle microtubules; minus strand). Cytogenetic location: 1q31.3.
Variant type: single nucleotide variant.
Coding change: c.6716T>C on transcript NM_018136.5 (MANE Select); coding-DNA position 6716, T replaced by C.
Protein change: p.Leu2239Pro; replaces leucine 2239 with proline.
Molecular consequence: missense variant. On other transcripts: intron variant (1).
Genome position (GRCh38, 1-based): chr1:197,102,535, A>G on the plus strand (T>C on the coding strand, the complement: ASPM is on the minus strand). VCF-style: chr1-197102535-A-G. GRCh37 (hg19) VCF-style: chr1-197071665-A-G.
Other names: c.4066-6371T>C (NM_001206846.2); short protein forms L2239P.
Identifiers: ClinVar variation 294616 (VCV000294616.11), dbSNP rs548708212, ClinGen allele CA1309537.

ClinVar aggregate classification (germline): Uncertain significance. Review status: criteria provided, multiple submitters, no conflicts (2 of 4 stars). 4 submissions from 4 submitters: Uncertain significance (4). Last evaluated 2026-01-16.

Conditions:
Inborn genetic diseases. Identifiers: MedGen C0950123, MeSH D030342.
Microcephaly 5, primary, autosomal recessive (MCPH5). Also called: ASPM Primary Microcephaly. Identifiers: Orphanet 2512, MedGen C1837501, MONDO:0012106, OMIM 608716.

Allele frequency attached by ClinVar (database versions not stated): gnomAD below 0.00001 and 0.00006; TOPMed 0.00002; gnomAD exomes 0.00008 and 0.00014; ExAC 0.00021; 1000 Genomes Project 30x 0.00031; 1000 Genomes Project 0.00040.
gnomAD v4.1: 122 of 1,612,474 alleles (0.0076%); highest among the groups gnomAD compares: South Asian, 0.13%; 4 homozygotes.

Submissions (4):

Ambry Genetics
Classification: Uncertain significance for Inborn genetic diseases. Last evaluated: 2026-01-16. Review status: criteria provided, single submitter. Criteria: Ambry Variant Classification Scheme 2023. Collection method: clinical testing. Allele origin: germline.
Comment: The c.6716T>C (p.L2239P) alteration is located in exon 18 (coding exon 18) of the ASPM gene. This alteration results from a T to C substitution at nucleotide position 6716, causing the leucine (L) at amino acid position 2239 to be replaced by a proline (P). Based on data from gnomAD, the C allele has an overall frequency of 0.014% (36/249892) total alleles studied. The highest observed frequency was 0.118% (36/30578) of South Asian alleles. Based on insufficient or conflicting evidence, the clinical significance of this alteration remains unclear.

Labcorp Genetics (formerly Invitae), Labcorp
Classification: Uncertain significance. Last evaluated: 2025-02-06. Review status: criteria provided, single submitter. Criteria: Invitae Variant Classification Sherloc (09022015). Collection method: clinical testing. Allele origin: germline.
Comment: This sequence change replaces leucine, which is neutral and non-polar, with proline, which is neutral and non-polar, at codon 2239 of the ASPM protein (p.Leu2239Pro). This variant is present in population databases (rs548708212, gnomAD 0.1%). This variant has not been reported in the literature in individuals affected with ASPM-related conditions. ClinVar contains an entry for this variant (Variation ID: 294616). Invitae Evidence Modeling of protein sequence and biophysical properties (such as structural, functional, and spatial information, amino acid conservation, physicochemical variation, residue mobility, and thermodynamic stability) has been performed for this missense variant. However, the output from this modeling did not meet the statistical confidence thresholds required to predict the impact of this variant on ASPM protein function. In summary, the available evidence is currently insufficient to determine the role of this variant in disease. Therefore, it has been classified as a Variant of Uncertain Significance.

Genome-Nilou Lab
Classification: Uncertain significance for Microcephaly 5, primary, autosomal recessive. Last evaluated: 2023-04-11. Review status: criteria provided, single submitter. Criteria: ACMG Guidelines, 2015. Collection method: clinical testing. Allele origin: germline. Affected: no.

Illumina Laboratory Services, Illumina
Classification: Uncertain significance for Microcephaly 5, primary, autosomal recessive. Last evaluated: 2018-01-13. Review status: criteria provided, single submitter. Criteria: ICSL Variant Classification Criteria 13 December 2019. Collection method: clinical testing. Allele origin: germline.